The following is an entry in ClinVar:

ClinVar aggregate classification (germline): Uncertain significance (1 of 4 stars; one submission).

Conditions:
Inborn genetic diseases. Identifiers: MedGen C0950123, MeSH D030342.

gnomAD v4.1: 3 of 1,580,264 alleles (0.00019%); highest among the groups gnomAD compares: African/African-American, 0.0014%; no homozygotes.

Submission:

Ambry Genetics
Classification: Uncertain significance for Inborn genetic diseases. Last evaluated: 2025-11-28. Review status: criteria provided, single submitter. Criteria: Ambry Variant Classification Scheme 2023. Collection method: clinical testing. Allele origin: germline.
Comment: The p.S13L variant (also known as c.38C>T), located in coding exon 1 of the ERCC6L2 gene, results from a C to T substitution at nucleotide position 38. The serine at codon 13 is replaced by leucine, an amino acid with dissimilar properties. This amino acid position is conserved. In addition, the in silico prediction for this alteration is inconclusive. Based on the available evidence, the clinical significance of this variant remains unclear.

NM_020207.7(ERCC6L2):c.38C>T (p.Ser13Leu)

Gene: ERCC6L2 (ERCC excision repair 6 like 2; plus strand). Cytogenetic location: 9q22.32.
Variant type: single nucleotide variant.
Coding change: c.38C>T on transcript NM_020207.7 (MANE Select); coding-DNA position 38, C replaced by T.
Protein change: p.Ser13Leu; replaces serine 13 with leucine.
Molecular consequence: missense variant. On other transcripts: non-coding transcript variant (1).
Genome position (GRCh38, 1-based): chr9:95,876,076, C>T. VCF-style: chr9-95876076-C-T. GRCh37 (hg19) VCF-style: chr9-98638358-C-T.
Other names: c.38C>T, p.Ser13Leu (NM_001010895.4, NM_001375291.1, NM_001375292.1 and 2 more transcripts); short protein forms S13L.
Identifiers: ClinVar variation 4618774 (VCV004618774.1).
Genomic context (GRCh38, chr9:95,876,076, plus strand): 5'-GCTCGGCCCCTCCCCCTGGCCGGATGGATCCGTCGGCGCCACAGCCCCGCGCGGAAACCT[C>T]AGGCAAAGGTACCAGCTCCGCGCTCGCCCCTTACGCAGAGGCCTGTGTACTGCGTCGCGT-3'
Protein context (NP_064592.3, residues 3-23): PSAPQPRAET[Ser13Leu]GKDIWHPGER